The following is an entry in ClinVar:

NM_000350.3(ABCA4):c.1227G>T (p.Arg409Ser)

Gene: ABCA4 (ATP binding cassette subfamily A member 4; minus strand). Cytogenetic location: 1p22.1.
Variant type: single nucleotide variant.
Coding change: c.1227G>T on transcript NM_000350.3 (MANE Select); coding-DNA position 1227, G replaced by T.
Protein change: p.Arg409Ser; replaces arginine 409 with serine.
Molecular consequence: missense variant.
Genome position (GRCh38, 1-based): chr1:94,079,334, C>A on the plus strand (G>T on the coding strand, the complement: ABCA4 is on the minus strand). VCF-style: chr1-94079334-C-A. GRCh37 (hg19) VCF-style: chr1-94544890-C-A.
Other names: c.1227G>T (NM_000350.2); c.1227G>T, p.Arg409Ser (NM_001425324.1); short protein forms R409S.
Identifiers: ClinVar variation 1011710 (VCV001011710.7), dbSNP rs267598778, ClinGen allele CA958603.

ClinVar aggregate classification (germline): Uncertain significance. Review status: criteria provided, multiple submitters, no conflicts (2 of 4 stars). 2 submissions from 2 submitters: Uncertain significance (2). Last evaluated 2025-09-30.

Conditions:
ABCA4-related disorder. Also called: ABCA4-related disorders; ABCA4-related condition. Identifiers: MedGen CN239167.

Allele frequency attached by ClinVar (database versions not stated): TOPMed 0.00001; ExAC 0.00002; gnomAD exomes 0.00002 and 0.00003.
gnomAD v4.1: 43 of 1,613,998 alleles (0.0027%); highest among the groups gnomAD compares: Non-Finnish European, 0.0035%; no homozygotes.

Submissions (2):

PreventionGenetics, part of Exact Sciences
Classification: Uncertain significance for ABCA4-related condition. Last evaluated: 2025-09-30. Review status: criteria provided, single submitter. Criteria: ACMG Guidelines, 2015. Collection method: clinical testing. Allele origin: germline.
Comment: The ABCA4 c.1227G>T variant is predicted to result in the amino acid substitution p.Arg409Ser. To our knowledge, this variant has not been reported in the literature. This variant is reported in 0.0046% of alleles in individuals of European (Non-Finnish) descent in gnomAD. At this time, the clinical significance of this variant is uncertain due to the absence of conclusive functional and genetic evidence.

Labcorp Genetics (formerly Invitae), Labcorp
Classification: Uncertain significance. Last evaluated: 2021-08-31. Review status: criteria provided, single submitter. Criteria: Invitae Variant Classification Sherloc (09022015). Collection method: clinical testing. Allele origin: germline.
Comment: This sequence change replaces arginine with serine at codon 409 of the ABCA4 protein (p.Arg409Ser). The arginine residue is highly conserved and there is a moderate physicochemical difference between arginine and serine. This variant is present in population databases (rs267598778, ExAC 0.006%). This variant has not been reported in the literature in individuals affected with ABCA4-related conditions. Algorithms developed to predict the effect of missense changes on protein structure and function output the following: SIFT: "Deleterious"; PolyPhen-2: "Benign"; Align-GVGD: "Class C15". The serine amino acid residue is found in multiple mammalian species, which suggests that this missense change does not adversely affect protein function. In summary, the available evidence is currently insufficient to determine the role of this variant in disease. Therefore, it has been classified as a Variant of Uncertain Significance.